The following is an entry in ClinVar:

NM_001378615.1(CC2D2A):c.1762C>T (p.Gln588Ter)

Genes: CC2D2A (coiled-coil and C2 domain containing 2A; plus strand), FBXL5 (F-box and leucine rich repeat protein 5; minus strand). Cytogenetic location: 4p15.32.
Variant type: single nucleotide variant.
Coding change: c.1762C>T on transcript NM_001378615.1 (MANE Select); coding-DNA position 1762, C replaced by T.
Protein change: p.Gln588Ter; replaces glutamine 588 with a stop codon.
Molecular consequence: nonsense.
Genome position (GRCh38, 1-based): chr4:15,537,074, C>T. VCF-style: chr4-15537074-C-T. GRCh37 (hg19) VCF-style: chr4-15538697-C-T.
Other names: 1762C-T; c.1762C>T, p.Gln588Ter (NM_001080522.2); c.1615C>T, p.Gln539Ter (NM_001378617.1); short protein forms Q588*, Q539*.
Identifiers: ClinVar variation 742 (VCV000000742.14), dbSNP rs116358011, ClinGen allele CA2863751.

ClinVar aggregate classification (germline): Pathogenic. Review status: criteria provided, multiple submitters, no conflicts (2 of 4 stars). 6 submissions from 6 submitters: Pathogenic (5). 1 of the submissions does not count toward it. Last evaluated 2024-11-04.

Conditions:
COACH syndrome 2. Identifiers: MedGen C5436837, MONDO:0030859, OMIM 619111.
Joubert syndrome 9 (JBTS9). Identifiers: Orphanet 2318, MedGen C2676788, MONDO:0012849, OMIM 612285.
Meckel syndrome, type 6. Identifiers: Orphanet 564, MedGen C2676790, MONDO:0012848, OMIM 612284.
Retinitis pigmentosa 93. Identifiers: MedGen C5676970, MONDO:0030797, OMIM 619845.
CC2D2A-related disorder. Also called: CC2D2A-related disorders; CC2D2A-related condition. Identifiers: MedGen CN239313.
Joubert syndrome and related disorders. Identifiers: Orphanet 140874, MedGen C5679612, MONDO:0015369.
Joubert syndrome. Also called: JOUBERT-BOLTSHAUSER SYNDROME; Familial aplasia of the vermis. Identifiers: Orphanet 475, MedGen C5979921, MONDO:0018772.
Meckel-Gruber syndrome. Also called: GRUBER SYNDROME; DYSENCEPHALIA SPLANCHNOCYSTICA; Dysencephalia splachnocystica. Identifiers: Orphanet 564, MedGen C0265215, MONDO:0018921.

Allele frequency attached by ClinVar (database versions not stated): 1000 Genomes Project 30x 0.00016; ExAC 0.00029; TOPMed 0.00002; 1000 Genomes Project 0.00020; gnomAD 0.00057.
gnomAD v4.1: 217 of 1,612,842 alleles (0.013%); highest among the groups gnomAD compares: Non-Finnish European, 0.0016%; no homozygotes.

Submissions (6):

GeneDx
Classification: Pathogenic. Last evaluated: 2024-11-04. Review status: criteria provided, single submitter. Criteria: GeneDx Variant Classification Process June 2021. Collection method: clinical testing. Allele origin: germline. Affected: yes.
Comment: Published functional study demonstrates this variant results in a cryptic splice site variant that results in loss of function (PMID: 18513680); This variant is associated with the following publications: (PMID: 25525159, 23351400, 18513680, 31964843, 31980526)

Blueprint Genetics
Classification: Pathogenic for CC2D2A-related disorders. Last evaluated: 2024-08-28. Review status: criteria provided, single submitter. Criteria: ACMG Guidelines, 2015. Collection method: clinical testing. Allele origin: germline. Affected: yes. Observed: 5 variant alleles.

Fulgent Genetics
Classification: Pathogenic for Meckel syndrome, type 6; Joubert syndrome 9; COACH syndrome 2; Retinitis pigmentosa 93. Last evaluated: 2024-04-04. Review status: criteria provided, single submitter. Criteria: ACMG Guidelines, 2015. Collection method: clinical testing. Allele origin: germline.

Labcorp Genetics (formerly Invitae), Labcorp
Classification: Pathogenic for Joubert syndrome; Meckel-Gruber syndrome. Last evaluated: 2024-03-26. Review status: criteria provided, single submitter. Criteria: Invitae Variant Classification Sherloc (09022015). Collection method: clinical testing. Allele origin: germline.
Comment: This sequence change creates a premature translational stop signal (p.Gln588*) in the CC2D2A gene. It is expected to result in an absent or disrupted protein product. Loss-of-function variants in CC2D2A are known to be pathogenic (PMID: 19777577). This variant is present in population databases (rs116358011, gnomAD 0.3%). This premature translational stop signal has been observed in individuals with Meckel Syndrome (PMID: 18513680). ClinVar contains an entry for this variant (Variation ID: 742). Algorithms developed to predict the effect of sequence changes on RNA splicing suggest that this variant may disrupt the consensus splice site. For these reasons, this variant has been classified as Pathogenic.

Myriad Genetics, Inc.
Classification: Pathogenic for Joubert syndrome and related disorders. Last evaluated: 2024-02-03. Review status: criteria provided, single submitter. Criteria: Myriad Autosomal Dominant, Autosomal Recessive and X-Linked Classification Criteria (2023). Collection method: clinical testing. Allele origin: unknown.
Comment: NM_001080522.2(CC2D2A):c.1762C>T(Q588*) is expected to be pathogenic in the context of CC2D2A-related disorders. This variant is predicted to lead to an abnormal or absent protein product due to the creation of a premature termination codon in CC2D2A, a gene where loss-of-function variants are known to be pathogenic. Please note: this variant was assessed in the context of healthy population screening.

OMIM
Classification: Pathogenic for MECKEL SYNDROME, TYPE 6. Last evaluated: 2008-06-01. Review status: no assertion criteria provided. Collection method: literature only. Allele origin: germline. Not counted in ClinVar's aggregate classification.

Literature cited by the submitters: PubMed 19777577 (cited by Labcorp Genetics (formerly Invitae), Labcorp); PubMed 18513680 (cited by Labcorp Genetics (formerly Invitae), Labcorp and OMIM).